The following is an entry in ClinVar:

ClinVar aggregate classification (germline): Uncertain significance (1 of 4 stars; one submission).

Conditions:
Epidermolysis bullosa simplex 5B, with muscular dystrophy (EBS5B). Also called: Epidermolysis bullosa simplex with muscular dystrophy; EPIDERMOLYSIS BULLOSA SIMPLEX AND LIMB-GIRDLE MUSCULAR DYSTROPHY. Identifiers: Orphanet 257, MedGen C2931072, MONDO:0009181, OMIM 226670.
Epidermolysis bullosa simplex 5C, with pyloric atresia (EBS5C). Also called: Epidermolysis bullosa simplex with pyloric atresia; PLEC-Related Epidermolysis Bullosa with Pyloric Atresia; PLEC1-Related Epidermolysis Bullosa with Pyloric Atresia. Identifiers: Orphanet 158684, MedGen C2677349, MONDO:0012807, OMIM 612138.
Epidermolysis bullosa simplex, Ogna type (EBS5A). Also called: Pidermolysis bullosa simplex 5A, Ogna type; EPIDERMOLYSIS BULLOSA SIMPLEX 5A, OGNA TYPE. Identifiers: Orphanet 79401, MedGen C0432317, MONDO:0007555, OMIM 131950.
Autosomal recessive limb-girdle muscular dystrophy type 2Q (LGMDR17). Also called: MUSCULAR DYSTROPHY, LIMB-GIRDLE, AUTOSOMAL RECESSIVE 17. Identifiers: Orphanet 254361, MedGen C3150989, MONDO:0013390, OMIM 613723.
Epidermolysis bullosa simplex with nail dystrophy (EBS5D). Identifiers: MedGen C4225309, MONDO:0014661, OMIM 616487.

Allele frequency attached by ClinVar (database versions not stated): gnomAD 0.00001; TOPMed 0.00001; ExAC 0.00017.
gnomAD v4.1: 17 of 1,540,876 alleles (0.0011%); highest among the groups gnomAD compares: Admixed American, 0.0038%; no homozygotes.

Submission:

Labcorp Genetics (formerly Invitae), Labcorp
Classification: Uncertain significance for Autosomal recessive limb-girdle muscular dystrophy type 2Q; Epidermolysis bullosa simplex, Ogna type; Epidermolysis bullosa simplex with nail dystrophy; Epidermolysis bullosa simplex 5C, with pyloric atresia; Epidermolysis bullosa simplex 5B, with muscular dystrophy. Last evaluated: 2023-02-19. Review status: criteria provided, single submitter. Criteria: Invitae Variant Classification Sherloc (09022015). Collection method: clinical testing. Allele origin: germline.
Comment: In summary, the available evidence is currently insufficient to determine the role of this variant in disease. Therefore, it has been classified as a Variant of Uncertain Significance. Experimental studies and prediction algorithms are not available or were not evaluated, and the functional significance of this variant is currently unknown. ClinVar contains an entry for this variant (Variation ID: 1055909). This variant has not been reported in the literature in individuals affected with PLEC-related conditions. The frequency data for this variant in the population databases is considered unreliable, as metrics indicate poor data quality at this position in the gnomAD database. This sequence change replaces alanine, which is neutral and non-polar, with valine, which is neutral and non-polar, at codon 1732 of the PLEC protein (p.Ala1732Val).

NM_201384.3(PLEC):c.5114C>T (p.Ala1705Val)

Gene: PLEC (plectin; minus strand). Cytogenetic location: 8q24.3.
Variant type: single nucleotide variant.
Coding change: c.5114C>T on transcript NM_201384.3 (MANE Select); coding-DNA position 5114, C replaced by T.
Protein change: p.Ala1705Val; replaces alanine 1705 with valine.
Molecular consequence: missense variant.
Genome position (GRCh38, 1-based): chr8:143,924,815, G>A on the plus strand (C>T on the coding strand, the complement: PLEC is on the minus strand). VCF-style: chr8-143924815-G-A. GRCh37 (hg19) VCF-style: chr8-144998983-G-A.
Other names: c.5195C>T, p.Ala1732Val (NM_000445.5); c.5072C>T, p.Ala1691Val (NM_201378.4); c.5048C>T, p.Ala1683Val (NM_201379.3); c.5525C>T, p.Ala1842Val (NM_201380.4); c.5018C>T, p.Ala1673Val (NM_201381.3); c.5114C>T, p.Ala1705Val (NM_201382.4); c.5126C>T, p.Ala1709Val (NM_201383.3); short protein forms A1673V, A1683V, A1691V, A1705V, A1709V, A1732V, A1842V.
Identifiers: ClinVar variation 1055909 (VCV001055909.5), dbSNP rs781835502, ClinGen allele CA4926428.
Genomic context (GRCh38, chr8:143,924,815, plus strand): 5'-CCCTGCTCCGTCTCGGCCCGCAGCCGGATCAACTCCTGCTCCGCGGCCAGGCGCTGCTGC[G>A]CGGTGCCTTCCGCCAGCTGCCGCTGCTTCTCCAGCTCTTGTTCAGCCAGCTCCCGCTGCC-3'
Protein context (NP_958786.1, residues 1695-1715): EKQRQLAEGT[Ala1705Val]QQRLAAEQEL